The following is an entry in ClinVar:

ClinVar aggregate classification (germline): Uncertain significance. Review status: criteria provided, single submitter (1 of 4 stars). 2 submissions from 2 submitters: Uncertain significance (1). 1 of the submissions does not count toward it. Last evaluated 2022-02-05.

Submissions (2):

Labcorp Genetics (formerly Invitae), Labcorp
Classification: Uncertain significance. Last evaluated: 2022-02-05. Review status: criteria provided, single submitter. Criteria: Invitae Variant Classification Sherloc (09022015). Collection method: clinical testing. Allele origin: germline.
Comment: In summary, the available evidence is currently insufficient to determine the role of this variant in disease. Therefore, it has been classified as a Variant of Uncertain Significance. Experimental studies and prediction algorithms are not available or were not evaluated, and the functional significance of this variant is currently unknown. This variant has not been reported in the literature in individuals affected with KMT2C-related conditions. This variant is not present in population databases (gnomAD no frequency). This variant, c.5355_5357dup, results in the insertion of 1 amino acid(s) of the KMT2C protein (p.Gln1787dup), but otherwise preserves the integrity of the reading frame.

ITMI
No classification provided. Condition: AllHighlyPenetrant. Last evaluated: 2013-09-19. Review status: no classification provided. Collection method: reference population. Allele origin: germline. Not counted in ClinVar's aggregate classification.
Comment: Please see associated publication for description of ethnicities

Literature cited by the submitters: PubMed 24728327 (cited by ITMI).

NM_170606.3(KMT2C):c.5352ACA[3] (p.Gln1787dup)

Gene: KMT2C (lysine methyltransferase 2C; minus strand). Cytogenetic location: 7q36.1.
Variant type: Microsatellite.
Coding change: c.5352ACA[3] on transcript NM_170606.3 (MANE Select); three copies in a row of the 3-base unit ACA starting at c.5352; the reference has two copies in a row; one copy, 3 bases duplicated.
Protein change: p.Gln1787dup; duplicates glutamine 1787.
Molecular consequence: inframe insertion.
Genome position (GRCh38, 1-based): chr7:152,182,503-152,182,505, TGT duplicated on the plus strand (ACA on the coding strand, the reverse complement: KMT2C is on the minus strand); duplicating any 3 consecutive bases within chr7:152,182,503-152,182,510 gives the same sequence; the position shown is the placement nearest the transcript's 3' end. VCF-style (leftmost placement, unchanged base first): chr7-152182502-C-CTGT. GRCh37 (hg19) VCF-style: chr7-151879587-C-CTGT.
Identifiers: ClinVar variation 134752 (VCV000134752.9), dbSNP rs587778492, ClinGen allele CA160675.